The following is an entry in ClinVar:

NM_020066.5(FMN2):c.3126C>T (p.Pro1042=)

Gene: FMN2 (formin 2; plus strand). Cytogenetic location: 1q43.
Variant type: single nucleotide variant.
Coding change: c.3126C>T on transcript NM_020066.5 (MANE Select); coding-DNA position 3126, C replaced by T.
Protein change: p.Pro1042=; no amino-acid change (proline 1042 retained).
Molecular consequence: synonymous variant. On other transcripts: intron variant (1).
Genome position (GRCh38, 1-based): chr1:240,207,938, C>T. VCF-style: chr1-240207938-C-T. GRCh37 (hg19) VCF-style: chr1-240371238-C-T.
Other names: c.3126C>T (NM_020066.4); c.3138C>T, p.Pro1046= (NM_001305424.2); c.1986+19676C>T (NM_001348094.2).
Identifiers: ClinVar variation 2640164 (VCV002640164.26), dbSNP rs201302496, ClinGen allele CA39905976.

ClinVar aggregate classification (germline): Likely benign. Review status: criteria provided, multiple submitters, no conflicts (2 of 4 stars). 3 submissions from 3 submitters: Likely benign (3). Last evaluated 2025-02-01.

Conditions:
FMN2-related disorder. Also called: FMN2-related condition.

Allele frequency attached by ClinVar (database versions not stated): gnomAD exomes 0.00002.
gnomAD v4.1: 6 of 597,796 alleles (0.001%); highest among the groups gnomAD compares: South Asian, 0.0024%; no homozygotes.

Submissions (3):

CeGaT Center for Human Genetics Tuebingen
Classification: Likely benign. Last evaluated: 2025-02-01. Review status: criteria provided, single submitter. Criteria: CeGaT Center For Human Genetics Tuebingen Variant Classification Criteria Version 2. Collection method: clinical testing. Allele origin: germline. Affected: yes. Observed: 5 variant alleles.
Comment: FMN2: BP4, BP7

Blueprint Genetics
Classification: Likely benign. Last evaluated: 2023-10-10. Review status: criteria provided, single submitter. Criteria: ACMG Guidelines, 2015. Collection method: clinical testing. Allele origin: germline.

PreventionGenetics, part of Exact Sciences
Classification: Likely benign for FMN2-related condition. Last evaluated: 2023-01-27. Review status: criteria provided, single submitter. Criteria: ACMG Guidelines, 2015. Collection method: clinical testing. Allele origin: germline.
Comment: This variant is classified as likely benign based on ACMG/AMP sequence variant interpretation guidelines (Richards et al. 2015 PMID: 25741868, with internal and published modifications).